The following is an entry in ClinVar:

ClinVar aggregate classification (germline): Likely pathogenic (1 of 4 stars; one submission).

Conditions:
Hereditary cancer-predisposing syndrome. Also called: Neoplastic Syndromes, Hereditary; Tumor predisposition; Hereditary neoplastic syndrome; Hereditary Cancer Syndrome. Identifiers: Orphanet 140162, MedGen C0027672, MeSH D009386, MONDO:0015356.

Submission:

Ambry Genetics
Classification: Likely pathogenic for Hereditary cancer-predisposing syndrome. Last evaluated: 2023-10-06. Review status: criteria provided, single submitter. Criteria: Ambry Variant Classification Scheme 2023. Collection method: clinical testing. Allele origin: germline.
Comment: The c.90_93+4delTTCTGTAA variant results from a deletion of 8 nucleotides between positions c.90 and c.93+4 and involves the canonical splice donor site after coding exon 1 of the BRIP1 gene. This variant is considered to be rare based on population cohorts in the Genome Aggregation Database (gnomAD). The canonical splice donor site is highly conserved in available vertebrate species. In silico splice site analysis predicts that this alteration will weaken the native splice donor site; however, direct evidence is insufficient at this time (Ambry internal data). Alterations that disrupt the canonical splice site are expected to cause aberrant splicing, resulting in an abnormal protein or a transcript that is subject to nonsense-mediated mRNA decay. As such, this alteration is classified as likely pathogenic.

NM_032043.3(BRIP1):c.90_93+4del

Gene: BRIP1 (BRCA1 interacting DNA helicase 1; minus strand). Cytogenetic location: 17q23.2.
Variant type: Deletion.
Coding change: c.90_93+4del on transcript NM_032043.3 (MANE Select); coding-DNA position 90 through 4 bases into the intron after coding-DNA position 93, 8 bases deleted (TTCTGTAA; older notation c.90_93+4delTTCTGTAA).
Molecular consequence: splice donor variant.
Genome position (GRCh38, 1-based): chr17:61,861,443-61,861,450, TTACAGAA deleted on the plus strand (TTCTGTAA on the coding strand, the reverse complement: BRIP1 is on the minus strand); deleting any 8 consecutive bases within chr17:61,861,443-61,861,452 gives the same sequence; the c. name uses the placement nearest the transcript's 3' end. VCF-style (leftmost placement, unchanged base first): chr17-61861442-CTTACAGAA-C. GRCh37 (hg19) VCF-style: chr17-59938803-CTTACAGAA-C.
Identifiers: ClinVar variation 3228147 (VCV003228147.1), dbSNP rs2545479555, ClinGen allele CA2825002583.
Genomic context (GRCh38, chr17:61,861,442, plus strand): 5'-AATGTACTTTATGGGTCATAAGTATCTATATCTTAATAAAAACTTAACTGCTGAAAAATA[CTTACAGAA>C]TTCATCATAGCAAGCTGTGACGGGTAAGCTTTATAAGGAAAGTAAATCTTCACCCCACCA-3'